The following is an entry in ClinVar:

NM_001110556.2(FLNA):c.5547G>A (p.Met1849Ile)

Gene: FLNA (filamin A; minus strand). Cytogenetic location: Xq28.
Variant type: single nucleotide variant.
Coding change: c.5547G>A on transcript NM_001110556.2 (MANE Select); coding-DNA position 5547, G replaced by A.
Protein change: p.Met1849Ile; replaces methionine 1849 with isoleucine.
Molecular consequence: missense variant.
Genome position (GRCh38, 1-based): chrX:154,354,161, C>T on the plus strand (G>A on the coding strand, the complement: FLNA is on the minus strand). VCF-style: chrX-154354161-C-T. GRCh37 (hg19) VCF-style: chrX-153582529-C-T.
Other names: c.5523G>A, p.Met1841Ile (NM_001456.4); short protein forms M1841I, M1849I.
Identifiers: ClinVar variation 2940809 (VCV002940809.3), dbSNP rs2522726270, ClinGen allele CA415203713.

ClinVar aggregate classification (germline): Uncertain significance (1 of 4 stars; one submission).

Conditions:
Oto-palato-digital syndrome, type II (OPD2). Also called: FACIOPALATOOSSEOUS SYNDROME; OPD II SYNDROME; Otopalatodigital Syndrome, Type II; Otopalatodigital Syndrome Type 2 (FLNA-OPD2). Identifiers: Orphanet 669, Orphanet 90652, MedGen C1844696, MONDO:0010571, OMIM 304120.
Heterotopia, periventricular, X-linked dominant (PVNH1). Also called: PERIVENTRICULAR NODULAR HETEROTOPIA 1; X-linked periventricular heterotopia; PERIVENTRICULAR NODULAR HETEROTOPIA 4; HETEROTOPIA, PERIVENTRICULAR, 1. Identifiers: Orphanet 2149, Orphanet 82004, MedGen C1848213, MONDO:0010233, OMIM 300049.
Frontometaphyseal dysplasia (FMD1). Identifiers: Orphanet 1826, MedGen C0265293, MONDO:0015942.
Melnick-Needles syndrome (MNS). Also called: MELNICK-NEEDLES OSTEODYSPLASTY; OSTEODYSPLASTY OF MELNICK AND NEEDLES; Melnick-Needles Syndrome (FLNA-MNS). Identifiers: Orphanet 2484, MedGen C0025237, MONDO:0010650, OMIM 309350.

Submission:

Labcorp Genetics (formerly Invitae), Labcorp
Classification: Uncertain significance for Oto-palato-digital syndrome, type II; Heterotopia, periventricular, X-linked dominant; Frontometaphyseal dysplasia; Melnick-Needles syndrome. Last evaluated: 2022-10-08. Review status: criteria provided, single submitter. Criteria: Invitae Variant Classification Sherloc (09022015). Collection method: clinical testing. Allele origin: germline.
Comment: This sequence change replaces methionine, which is neutral and non-polar, with isoleucine, which is neutral and non-polar, at codon 1841 of the FLNA protein (p.Met1841Ile). In summary, the available evidence is currently insufficient to determine the role of this variant in disease. Therefore, it has been classified as a Variant of Uncertain Significance. Advanced modeling of protein sequence and biophysical properties (such as structural, functional, and spatial information, amino acid conservation, physicochemical variation, residue mobility, and thermodynamic stability) performed at Invitae indicates that this missense variant is not expected to disrupt FLNA protein function. This variant has not been reported in the literature in individuals affected with FLNA-related conditions. This variant is not present in population databases (gnomAD no frequency).